The following is an entry in ClinVar:

ClinVar aggregate classification (germline): Uncertain significance (1 of 4 stars; one submission).

Submission:

Ambry Genetics
Classification: Uncertain significance. Last evaluated: 2025-11-24. Review status: criteria provided, single submitter. Criteria: Ambry Variant Classification Scheme 2023. Collection method: clinical testing. Allele origin: germline.
Comment: The p.P848S variant (also known as c.2542C>T), located in coding exon 11 of the WNK2 gene, results from a C to T substitution at nucleotide position 2542. The proline at codon 848 is replaced by serine, an amino acid with similar properties. This amino acid position is conserved. In addition, this alteration is predicted to be tolerated by in silico analysis. Based on the available evidence, the clinical significance of this variant remains unclear.

NM_006648.4(WNK2):c.2542C>T (p.Pro848Ser)

Gene: WNK2 (WNK lysine deficient protein kinase 2; plus strand). Cytogenetic location: 9q22.31.
Variant type: single nucleotide variant.
Coding change: c.2542C>T on transcript NM_006648.4 (MANE Select); coding-DNA position 2542, C replaced by T.
Protein change: p.Pro848Ser; replaces proline 848 with serine.
Molecular consequence: missense variant.
Genome position (GRCh38, 1-based): chr9:93,259,090, C>T. VCF-style: chr9-93259090-C-T. GRCh37 (hg19) VCF-style: chr9-96021372-C-T.
Other names: c.2542C>T, p.Pro848Ser (NM_001282394.3); short protein forms P848S.
Identifiers: ClinVar variation 4605384 (VCV004605384.1).